The following is an entry in ClinVar:

NM_000271.5(NPC1):c.906C>A (p.Tyr302Ter)

Gene: NPC1 (NPC intracellular cholesterol transporter 1; minus strand). Cytogenetic location: 18q11.2.
Variant type: single nucleotide variant.
Coding change: c.906C>A on transcript NM_000271.5 (MANE Select); coding-DNA position 906, C replaced by A.
Protein change: p.Tyr302Ter; replaces tyrosine 302 with a stop codon.
Molecular consequence: nonsense.
Genome position (GRCh38, 1-based): chr18:23,557,166, G>T on the plus strand (C>A on the coding strand, the complement: NPC1 is on the minus strand). VCF-style: chr18-23557166-G-T. GRCh37 (hg19) VCF-style: chr18-21137130-G-T.
Other names: short protein forms Y302*.
Identifiers: ClinVar variation 1724564 (VCV001724564.2), dbSNP rs2511288528, ClinGen allele CA401779706.
Genomic context (GRCh38, chr18:23,557,166, plus strand): 5'-AATATGCCTACCTTTGTCACTTGCATTAACAGAAAAAGCTATATTGCTATCGATGGGAGT[G>T]TACTCGGAGACAAAATACCGTTTTCTGAAAAACAGAAGTGAAGAAATAGCATTAGTGGAC-3'

ClinVar aggregate classification (germline): Likely pathogenic (1 of 4 stars; one submission).

Conditions:
Niemann-Pick disease, type C1. Also called: NEUROVISCERAL STORAGE DISEASE WITH VERTICAL SUPRANUCLEAR OPHTHALMOPLEGIA; NIEMANN-PICK DISEASE WITH CHOLESTEROL ESTERIFICATION BLOCK; NIEMANN-PICK DISEASE WITHOUT SPHINGOMYELINASE DEFICIENCY; NIEMANN-PICK DISEASE, CHRONIC NEURONOPATHIC FORM; NIEMANN-PICK DISEASE, VARIANT TYPE C1. Identifiers: Orphanet 646, MedGen C3179455, MONDO:0009757, OMIM 257220.

Submission:

Myriad Genetics, Inc.
Classification: Likely pathogenic for Niemann-Pick disease, type C1. Last evaluated: 2022-02-19. Review status: criteria provided, single submitter. Criteria: Myriad Women's Health Autosomal Recessive and X-Linked Classification Criteria (2021). Collection method: clinical testing. Allele origin: unknown.
Comment: NM_000271.4(NPC1):c.906C>A(Y302*) is expected to be pathogenic in the context of Niemann-Pick disease type C1. This variant is predicted to lead to an abnormal or absent protein product due to the creation of a premature termination codon in NPC1, a gene where loss-of-function variants are known to be pathogenic. Please note: this variant was assessed in the context of healthy population screening.